The following is an entry in ClinVar:

ClinVar aggregate classification (germline): Uncertain significance (1 of 4 stars; one submission).

Conditions:
Curry-Jones syndrome (CRJS). Identifiers: Orphanet 1553, MedGen C0795915, MONDO:0011134, OMIM 601707.

Allele frequency attached by ClinVar (database versions not stated): ESP Exome Variant Server 0.00008.
gnomAD v4.1: 29 of 1,614,058 alleles (0.0018%); highest among the groups gnomAD compares: African/African-American, 0.033%; no homozygotes.

Submission:

Clinical Genomics Laboratory, Washington University in St. Louis
Classification: Uncertain significance for Curry-Jones syndrome. Last evaluated: 2023-08-27. Review status: criteria provided, single submitter. Criteria: ACMG Guidelines, 2015. Collection method: clinical testing. Allele origin: germline.
Comment: The SMO c.1102C>G (p.Pro368Ala) variant was identified at near heterozygous allelic fraction. To our knowledge, this variant has not been reported in the medical literature and is only observed on 19/152172 alleles in the general population (gnomAD v.3.1.2), indicating it is not a common variant. Computational predictors indicate that this variant is damaging, evidence that correlates with impact to SMO function. Due to limited information, and based on ACMG/AMP guidelines for variant interpretation (Richards S et al., PMID: 25741868), this variant is classified as being of uncertain significance at this time.

NM_005631.5(SMO):c.1102C>G (p.Pro368Ala)

Gene: SMO (smoothened, frizzled class receptor; plus strand). Cytogenetic location: 7q32.1.
Variant type: single nucleotide variant.
Coding change: c.1102C>G on transcript NM_005631.5 (MANE Select); coding-DNA position 1102, C replaced by G.
Protein change: p.Pro368Ala; replaces proline 368 with alanine.
Molecular consequence: missense variant.
Genome position (GRCh38, 1-based): chr7:129,206,331, C>G. VCF-style: chr7-129206331-C-G. GRCh37 (hg19) VCF-style: chr7-128846172-C-G.
Other names: short protein forms P368A.
Identifiers: ClinVar variation 2672101 (VCV002672101.1), dbSNP rs374812951, ClinGen allele CA4479284.